The following is an entry in ClinVar:

NM_016327.3(UPB1):c.791+5C>G

Gene: UPB1 (beta-ureidopropionase 1; plus strand). Cytogenetic location: 22q11.23.
Variant type: single nucleotide variant.
Coding change: c.791+5C>G on transcript NM_016327.3 (MANE Select); 5 bases into the intron after coding-DNA position 791, C replaced by G.
Molecular consequence: intron variant.
Genome position (GRCh38, 1-based): chr22:24,515,375, C>G. VCF-style: chr22-24515375-C-G. GRCh37 (hg19) VCF-style: chr22-24911343-C-G.
Identifiers: ClinVar variation 2084685 (VCV002084685.3), dbSNP rs374432230, ClinGen allele CA10153336.

ClinVar aggregate classification (germline): Conflicting classifications of pathogenicity. Review status: criteria provided, conflicting classifications (1 of 4 stars). 2 submissions from 2 submitters: Uncertain significance (1); Likely benign (1). Last evaluated 2024-10-01.

Allele frequency attached by ClinVar (database versions not stated): gnomAD 0.00007; gnomAD exomes 0.00008; TOPMed 0.00009; ExAC 0.00012; ESP Exome Variant Server 0.00015.
gnomAD v4.1: 138 of 1,613,954 alleles (0.0086%); highest among the groups gnomAD compares: Middle Eastern, 0.099%; 1 homozygote.

Submissions (2):

Blueprint Genetics
Classification: Likely benign. Last evaluated: 2024-10-01. Review status: criteria provided, single submitter. Criteria: ACMG Guidelines, 2015. Collection method: clinical testing. Allele origin: germline.

Labcorp Genetics (formerly Invitae), Labcorp
Classification: Uncertain significance. Last evaluated: 2022-09-12. Review status: criteria provided, single submitter. Criteria: Invitae Variant Classification Sherloc (09022015). Collection method: clinical testing. Allele origin: germline.
Comment: This variant is present in population databases (rs374432230, gnomAD 0.02%). In summary, the available evidence is currently insufficient to determine the role of this variant in disease. Therefore, it has been classified as a Variant of Uncertain Significance. Variants that disrupt the consensus splice site are a relatively common cause of aberrant splicing (PMID: 17576681, 9536098). Algorithms developed to predict the effect of sequence changes on RNA splicing suggest that this variant is not likely to affect RNA splicing. This variant has not been reported in the literature in individuals affected with UPB1-related conditions. This sequence change falls in intron 6 of the UPB1 gene. It does not directly change the encoded amino acid sequence of the UPB1 protein. It affects a nucleotide within the consensus splice site.

Literature cited by the submitters: PubMed 17576681 (cited by Labcorp Genetics (formerly Invitae), Labcorp); PubMed 9536098 (cited by Labcorp Genetics (formerly Invitae), Labcorp).